The following is an entry in ClinVar:

ClinVar aggregate classification (germline): Uncertain significance. Review status: criteria provided, multiple submitters, no conflicts (2 of 4 stars). 2 submissions from 2 submitters: Uncertain significance (2). Last evaluated 2025-02-27.

Conditions:
Hereditary cancer-predisposing syndrome. Also called: Neoplastic Syndromes, Hereditary; Tumor predisposition; Hereditary Cancer Syndrome; Hereditary neoplastic syndrome. Identifiers: Orphanet 140162, MedGen C0027672, MeSH D009386, MONDO:0015356.
Familial adenomatous polyposis 1 (FAP1). Also called: FAMILIAL ADENOMATOUS POLYPOSIS 1, ATTENUATED; POLYPOSIS, ADENOMATOUS INTESTINAL. Identifiers: MedGen C2713442, MONDO:0021056, OMIM 175100. Disease mechanism: loss of function.

Submissions (2):

Labcorp Genetics (formerly Invitae), Labcorp
Classification: Uncertain significance for Familial adenomatous polyposis 1. Last evaluated: 2025-02-27. Review status: criteria provided, single submitter. Criteria: Invitae Variant Classification Sherloc (09022015). Collection method: clinical testing. Allele origin: germline.
Comment: This sequence change replaces asparagine, which is neutral and polar, with aspartic acid, which is acidic and polar, at codon 659 of the APC protein (p.Asn659Asp). This variant is not present in population databases (gnomAD no frequency). This variant has not been reported in the literature in individuals affected with APC-related conditions. ClinVar contains an entry for this variant (Variation ID: 1783692). Invitae Evidence Modeling of protein sequence and biophysical properties (such as structural, functional, and spatial information, amino acid conservation, physicochemical variation, residue mobility, and thermodynamic stability) indicates that this missense variant is not expected to disrupt APC protein function with a negative predictive value of 95%. In summary, the available evidence is currently insufficient to determine the role of this variant in disease. Therefore, it has been classified as a Variant of Uncertain Significance.

Ambry Genetics
Classification: Uncertain significance for Hereditary cancer-predisposing syndrome. Last evaluated: 2022-04-08. Review status: criteria provided, single submitter. Criteria: Ambry Variant Classification Scheme 2023. Collection method: clinical testing. Allele origin: germline.
Comment: The p.N659D variant (also known as c.1975A>G), located in coding exon 15 of the APC gene, results from an A to G substitution at nucleotide position 1975. The asparagine at codon 659 is replaced by aspartic acid, an amino acid with highly similar properties. This amino acid position is conserved. In addition, in silico predictors for this gene do not accurately predict pathogenicity. Since supporting evidence is limited at this time, the clinical significance of this alteration remains unclear.

NM_000038.6(APC):c.1975A>G (p.Asn659Asp)

Gene: APC (APC regulator of Wnt signaling pathway; plus strand). Cytogenetic location: 5q22.2.
Variant type: single nucleotide variant.
Coding change: c.1975A>G on transcript NM_000038.6 (MANE Select); coding-DNA position 1975, A replaced by G.
Protein change: p.Asn659Asp; replaces asparagine 659 with aspartic acid.
Molecular consequence: missense variant.
Genome position (GRCh38, 1-based): chr5:112,837,569, A>G. VCF-style: chr5-112837569-A-G. GRCh37 (hg19) VCF-style: chr5-112173266-A-G.
Other names: c.1975A>G, p.Asn659Asp (NM_001127510.3, NM_001354895.2, NM_001407450.1); c.1921A>G, p.Asn641Asp (NM_001127511.3); c.2029A>G, p.Asn677Asp (NM_001354896.2, NM_001407447.1, NM_001407448.1 and 1 more transcripts); c.2005A>G, p.Asn669Asp (NM_001354897.2); c.1900A>G, p.Asn634Asp (NM_001354898.2); c.1891A>G, p.Asn631Asp (NM_001354899.2); c.1852A>G, p.Asn618Asp (NM_001354900.2); c.1798A>G, p.Asn600Asp (NM_001354901.2, NM_001407453.1); and 11 more; short protein forms N275D, N533D, N576D, N659D, N677D, N499D, N530D, N568D.
Identifiers: ClinVar variation 1783692 (VCV001783692.3), dbSNP rs2149857947, ClinGen allele CA16025631.